The following is an entry in ClinVar:

NM_004006.3(DMD):c.8806C>A (p.Leu2936Ile)

Gene: DMD (dystrophin; minus strand). Cytogenetic location: Xp21.2.
Variant type: single nucleotide variant.
Coding change: c.8806C>A on transcript NM_004006.3 (MANE Select); coding-DNA position 8806, C replaced by A.
Protein change: p.Leu2936Ile; replaces leucine 2936 with isoleucine.
Molecular consequence: missense variant.
Genome position (GRCh38, 1-based): chrX:31,478,237, G>T on the plus strand (C>A on the coding strand, the complement: DMD is on the minus strand). VCF-style: chrX-31478237-G-T. GRCh37 (hg19) VCF-style: chrX-31496354-G-T.
Other names: c.8782C>A, p.Leu2928Ile (NM_000109.4); c.8794C>A, p.Leu2932Ile (NM_004009.3); c.8437C>A, p.Leu2813Ile (NM_004010.3); c.4783C>A, p.Leu1595Ile (NM_004011.4); c.4774C>A, p.Leu1592Ile (NM_004012.4); c.1426C>A, p.Leu476Ile (NM_004013.3, NM_004020.4, NM_004021.3 and 2 more transcripts); c.619C>A, p.Leu207Ile (NM_004014.3); short protein forms L2936I, L2928I, L2932I, L476I, L1595I, L1592I, L207I, L2813I.
Identifiers: ClinVar variation 565368 (VCV000565368.9), dbSNP rs146517753, ClinGen allele CA412654112.

ClinVar aggregate classification (germline): Uncertain significance (1 of 4 stars; one submission).

Conditions:
Duchenne muscular dystrophy (DMD). Also called: Duchenne Muscular Dystrophy (DMD); MUSCULAR DYSTROPHY, PSEUDOHYPERTROPHIC PROGRESSIVE, DUCHENNE TYPE. Identifiers: Orphanet 98896, MedGen C0013264, MONDO:0010679, OMIM 310200.

Submission:

Labcorp Genetics (formerly Invitae), Labcorp
Classification: Uncertain significance for Duchenne muscular dystrophy. Last evaluated: 2018-01-01. Review status: criteria provided, single submitter. Criteria: Invitae Variant Classification Sherloc (09022015). Collection method: clinical testing. Allele origin: germline.
Comment: In summary, the available evidence is currently insufficient to determine the role of this variant in disease. Therefore, it has been classified as a Variant of Uncertain Significance. Algorithms developed to predict the effect of missense changes on protein structure and function do not agree on the potential impact of this missense change (SIFT: "Tolerated"; PolyPhen-2: "Possibly Damaging"; Align-GVGD: "Class C0"). This variant has not been reported in the literature in individuals with DMD-related disease. This variant is not present in population databases (ExAC no frequency). This sequence change replaces leucine with isoleucine at codon 2936 of the DMD protein (p.Leu2936Ile). The leucine residue is highly conserved and there is a small physicochemical difference between leucine and isoleucine.